The following is an entry in ClinVar:

ClinVar aggregate classification (germline): Benign. Review status: criteria provided, multiple submitters, no conflicts (2 of 4 stars). 3 submissions from 3 submitters: Benign (2). 1 of the submissions does not count toward it. Last evaluated 2018-06-26.

Allele frequency attached by ClinVar (database versions not stated): gnomAD exomes 0.09522; ESP Exome Variant Server 0.19614; 1000 Genomes Project 30x 0.18520; gnomAD 0.18558 and 0.17718; TOPMed 0.18579; ExAC 0.10295; 1000 Genomes Project 0.17812.
gnomAD v4.1: 144,240 of 1,586,472 alleles (9.1%); highest among the groups gnomAD compares: African/African-American, 44%; 11,881 homozygotes.

Submissions (3):

GeneDx
Classification: Benign. Last evaluated: 2018-06-26. Review status: criteria provided, single submitter. Criteria: GeneDx Variant Classification Process June 2021. Collection method: clinical testing. Allele origin: germline. Affected: yes.

Breakthrough Genomics
Classification: Benign. Review status: criteria provided, single submitter. Criteria: ACMG Guidelines, 2015. Collection method: not provided. Allele origin: germline. Inheritance: Autosomal recessive inheritance. Affected: yes.

Genetic Services Laboratory, University of Chicago
Classification: Likely benign. Review status: no assertion criteria provided. Collection method: clinical testing. Allele origin: germline. Inheritance: Autosomal recessive inheritance. Not counted in ClinVar's aggregate classification.
Comment: Likely benign based on allele frequency in 1000 Genomes Project or ESP global frequency and its presence in a patient with a rare or unrelated disease phenotype. NOT Sanger confirmed

NM_006031.6(PCNT):c.7494+48G>A

Gene: PCNT (pericentrin; plus strand). Cytogenetic location: 21q22.3.
Variant type: single nucleotide variant.
Coding change: c.7494+48G>A on transcript NM_006031.6 (MANE Select); 48 bases into the intron after coding-DNA position 7494, G replaced by A.
Molecular consequence: intron variant.
Genome position (GRCh38, 1-based): chr21:46,427,843, G>A. VCF-style: chr21-46427843-G-A. GRCh37 (hg19) VCF-style: chr21-47847757-G-A.
Other names: c.7140+48G>A (NM_001315529.2).
Identifiers: ClinVar variation 159659 (VCV000159659.9), dbSNP rs55937012, ClinGen allele CA173093.